The following is an entry in ClinVar:

NM_021912.5(GABRB3):c.80+6G>A

Gene: GABRB3 (gamma-aminobutyric acid type A receptor subunit beta3; minus strand). Cytogenetic location: 15q12.
Variant type: single nucleotide variant.
Coding change: c.80+6G>A on transcript NM_021912.5; 6 bases into the intron after coding-DNA position 80, G replaced by A.
Molecular consequence: intron variant.
Genome position (GRCh38, 1-based): chr15:26,773,639, C>T on the plus strand (G>A on the coding strand, the complement: GABRB3 is on the minus strand). VCF-style: chr15-26773639-C-T. GRCh37 (hg19) VCF-style: chr15-27018786-C-T.
Identifiers: ClinVar variation 5040603 (VCV005040603.1).

ClinVar aggregate classification (germline): Likely benign (1 of 4 stars; one submission).

gnomAD v4.1: 1 of 1,558,340 alleles (0.000064%); highest among the groups gnomAD compares: Admixed American, 0.0019%; no homozygotes.

Submission:

CeGaT Center for Human Genetics Tuebingen
Classification: Likely benign. Last evaluated: 2026-08-01. Review status: criteria provided, single submitter. Criteria: CeGaT Center For Human Genetics Tuebingen Variant Classification Criteria Version 2. Collection method: clinical testing. Allele origin: germline. Affected: yes. Observed: 1 variant allele.
Comment: GABRB3: BP4